The following is an entry in ClinVar:

ClinVar aggregate classification (germline): Benign/Likely benign (0 of 4 stars; one submission).

Submission:

ISCA Site 6
Classification: Benign/Likely benign. Review status: no assertion criteria provided. Collection method: clinical testing. Allele origin: unknown. Affected: yes. Observed: 3 variant alleles. Clinical features observed: Developmental delay AND/OR other significant developmental or morphological phenotypes.
Comment: Likely benign (1), Benign (2)

Copy number variation identified through the course of routine clinical cytogenomic testing in postnatal populations, with clinical assertions as classified by the original submitter. For data from the original published study, Kaminsky, et al. 2011 (PubMed 21844811), please see nstd101.

GRCh37/hg19 5q31.3(chr5:140581626-140589370)x3

Genes: PCDHB11 (protocadherin beta 11; plus strand), PCDHB12 (protocadherin beta 12; plus strand), PCDHB@ (protocadherin beta cluster; plus strand). Cytogenetic location: 5q31.3.
Variant type: copy number gain.
Change: copy number 3 (three copies instead of two) of chr5:140,581,626-140,589,370 (7.7 kb, GRCh37 coordinates, 1-based), cytogenetic band 5q31.3.
Identifiers: ClinVar variation 395109 (VCV000395109.3).